The following is an entry in ClinVar:

ClinVar aggregate classification (germline): Conflicting classifications of pathogenicity. Review status: criteria provided, conflicting classifications (1 of 4 stars). 4 submissions from 4 submitters: Uncertain significance (1); Benign (2); Likely benign (1). Last evaluated 2025-12-22.

Conditions:
Hereditary skeletal muscle disorder. Identifiers: MedGen CN324038, MONDO:0700223.

Allele frequency attached by ClinVar (database versions not stated): ExAC 0.00011; TOPMed 0.00012; gnomAD 0.00015; gnomAD exomes 0.00077.

Submissions (4):

Labcorp Genetics (formerly Invitae), Labcorp
Classification: Benign. Last evaluated: 2025-12-22. Review status: criteria provided, single submitter. Criteria: Invitae Variant Classification Sherloc (09022015). Collection method: clinical testing. Allele origin: germline.

Blueprint Genetics
Classification: Likely benign. Last evaluated: 2024-10-16. Review status: criteria provided, single submitter. Criteria: ACMG Guidelines, 2015. Collection method: clinical testing. Allele origin: germline.

GeneDx
Classification: Uncertain significance. Last evaluated: 2020-01-07. Review status: criteria provided, single submitter. Criteria: GeneDx Variant Classification Process June 2021. Collection method: clinical testing. Allele origin: germline. Affected: yes.
Comment: In silico analysis, which includes protein predictors and evolutionary conservation, supports a deleterious effect; This variant is associated with the following publications: (PMID: 19377476)

Cambridge Genomics Laboratory, East Genomic Laboratory Hub, NHS Genomic Medicine Service
Classification: Benign for Hereditary skeletal muscle disorder. Last evaluated: 2019-11-28. Review status: criteria provided, single submitter. Criteria: ACGS Best Practice Guidelines for Variant Classification in Rare Disease 2020. Collection method: clinical testing. Allele origin: germline. Affected: yes. Observed: 1 variant allele.

NM_000291.4(PGK1):c.241G>T (p.Val81Phe)

Gene: PGK1 (phosphoglycerate kinase 1; plus strand). Cytogenetic location: Xq21.1.
Variant type: single nucleotide variant.
Coding change: c.241G>T on transcript NM_000291.4 (MANE Select); coding-DNA position 241, G replaced by T.
Protein change: p.Val81Phe; replaces valine 81 with phenylalanine.
Molecular consequence: missense variant.
Genome position (GRCh38, 1-based): chrX:78,113,868, G>T. VCF-style: chrX-78113868-G-T. GRCh37 (hg19) VCF-style: chrX-77369365-G-T.
Other names: short protein forms V81F.
Identifiers: ClinVar variation 1198418 (VCV001198418.13), dbSNP rs202138276, ClinGen allele CA10459638.